The following is an entry in ClinVar:

NM_001371986.1(UNC80):c.3110G>C (p.Ser1037Thr)

Gene: UNC80 (unc-80 subunit of NALCN channel complex; plus strand). Cytogenetic location: 2q34.
Variant type: single nucleotide variant.
Coding change: c.3110G>C on transcript NM_001371986.1 (MANE Select); coding-DNA position 3110, G replaced by C.
Protein change: p.Ser1037Thr; replaces serine 1037 with threonine.
Molecular consequence: missense variant.
Genome position (GRCh38, 1-based): chr2:209,839,290, G>C. VCF-style: chr2-209839290-G-C. GRCh37 (hg19) VCF-style: chr2-210704014-G-C.
Other names: c.3110G>C, p.Ser1037Thr (NM_032504.2); c.3095G>C, p.Ser1032Thr (NM_182587.4); short protein forms S1032T, S1037T.
Identifiers: ClinVar variation 1358711 (VCV001358711.6), dbSNP rs2153829199, ClinGen allele CA350412204.

ClinVar aggregate classification (germline): Uncertain significance (1 of 4 stars; one submission).

Submission:

Labcorp Genetics (formerly Invitae), Labcorp
Classification: Uncertain significance. Last evaluated: 2021-04-09. Review status: criteria provided, single submitter. Criteria: Invitae Variant Classification Sherloc (09022015). Collection method: clinical testing. Allele origin: germline.
Comment: In summary, the available evidence is currently insufficient to determine the role of this variant in disease. Therefore, it has been classified as a Variant of Uncertain Significance. Algorithms developed to predict the effect of missense changes on protein structure and function are either unavailable or do not agree on the potential impact of this missense change (SIFT: "Not Available"; PolyPhen-2: "Probably Damaging"; Align-GVGD: "Not Available"). This variant has not been reported in the literature in individuals with UNC80-related conditions. This variant is not present in population databases (ExAC no frequency). This sequence change replaces serine with threonine at codon 1037 of the UNC80 protein (p.Ser1037Thr). The serine residue is moderately conserved and there is a small physicochemical difference between serine and threonine.